The following is an entry in ClinVar:

NM_004444.5(EPHB4):c.2773G>A (p.Glu925Lys)

Gene: EPHB4 (EPH receptor B4; minus strand). Cytogenetic location: 7q22.1.
Variant type: single nucleotide variant.
Coding change: c.2773G>A on transcript NM_004444.5 (MANE Select); coding-DNA position 2773, G replaced by A.
Protein change: p.Glu925Lys; replaces glutamic acid 925 with lysine.
Molecular consequence: missense variant.
Genome position (GRCh38, 1-based): chr7:100,805,227, C>T on the plus strand (G>A on the coding strand, the complement: EPHB4 is on the minus strand). VCF-style: chr7-100805227-C-T. GRCh37 (hg19) VCF-style: chr7-100402849-C-T.
Other names: short protein forms E925K.
Identifiers: ClinVar variation 4614135 (VCV004614135.1).

ClinVar aggregate classification (germline): Uncertain significance (1 of 4 stars; one submission).

Conditions:
Cardiovascular phenotype. Identifiers: MedGen CN230736.

gnomAD v4.1: 4 of 1,613,320 alleles (0.00025%); highest among the groups gnomAD compares: East Asian, 0.0022%; no homozygotes.

Submission:

Ambry Genetics
Classification: Uncertain significance for Cardiovascular phenotype. Last evaluated: 2025-11-10. Review status: criteria provided, single submitter. Criteria: Ambry Variant Classification Scheme 2023. Collection method: clinical testing. Allele origin: germline.
Comment: The p.E925K variant (also known as c.2773G>A), located in coding exon 16 of the EPHB4 gene, results from a G to A substitution at nucleotide position 2773. The glutamic acid at codon 925 is replaced by lysine, an amino acid with similar properties. This amino acid position is conserved. In addition, this alteration is predicted to be tolerated by in silico analysis. Based on the available evidence, the clinical significance of this variant remains unclear.